The following is an entry in ClinVar:

ClinVar aggregate classification (germline): Uncertain significance (1 of 4 stars; one submission).

Conditions:
Dilated cardiomyopathy 1DD (CMD1DD). Identifiers: Orphanet 154, MedGen C2750995, MONDO:0013168, OMIM 613172.

Submission:

Labcorp Genetics (formerly Invitae), Labcorp
Classification: Uncertain significance for Dilated cardiomyopathy 1DD. Last evaluated: 2023-11-15. Review status: criteria provided, single submitter. Criteria: Invitae Variant Classification Sherloc (09022015). Collection method: clinical testing. Allele origin: germline.
Comment: This sequence change replaces leucine, which is neutral and non-polar, with proline, which is neutral and non-polar, at codon 1019 of the RBM20 protein (p.Leu1019Pro). This variant is not present in population databases (gnomAD no frequency). This variant has not been reported in the literature in individuals affected with RBM20-related conditions. Advanced modeling of protein sequence and biophysical properties (such as structural, functional, and spatial information, amino acid conservation, physicochemical variation, residue mobility, and thermodynamic stability) performed at Invitae indicates that this missense variant is not expected to disrupt RBM20 protein function with a negative predictive value of 95%. In summary, the available evidence is currently insufficient to determine the role of this variant in disease. Therefore, it has been classified as a Variant of Uncertain Significance.

NM_001134363.3(RBM20):c.3056T>C (p.Leu1019Pro)

Gene: RBM20 (RNA binding motif protein 20; plus strand). Cytogenetic location: 10q25.2.
Variant type: single nucleotide variant.
Coding change: c.3056T>C on transcript NM_001134363.3 (MANE Select); coding-DNA position 3056, T replaced by C.
Protein change: p.Leu1019Pro; replaces leucine 1019 with proline.
Molecular consequence: missense variant.
Genome position (GRCh38, 1-based): chr10:110,821,675, T>C. VCF-style: chr10-110821675-T-C. GRCh37 (hg19) VCF-style: chr10-112581433-T-C.
Other names: short protein forms L1019P.
Identifiers: ClinVar variation 2696142 (VCV002696142.3), dbSNP rs2493494656, ClinGen allele CA378380397.